The following is an entry in ClinVar:

ClinVar aggregate classification (germline): Uncertain significance (1 of 4 stars; one submission).

Submission:

Labcorp Genetics (formerly Invitae), Labcorp
Classification: Uncertain significance. Last evaluated: 2022-01-27. Review status: criteria provided, single submitter. Criteria: Invitae Variant Classification Sherloc (09022015). Collection method: clinical testing. Allele origin: germline.
Comment: In summary, the available evidence is currently insufficient to determine the role of this variant in disease. Therefore, it has been classified as a Variant of Uncertain Significance. Algorithms developed to predict the effect of missense changes on protein structure and function are either unavailable or do not agree on the potential impact of this missense change (SIFT: "Tolerated"; PolyPhen-2: "Probably Damaging"; Align-GVGD: "Class C0"). This variant has not been reported in the literature in individuals affected with NBAS-related conditions. This variant is not present in population databases (gnomAD no frequency). This sequence change replaces cysteine, which is neutral and slightly polar, with phenylalanine, which is neutral and non-polar, at codon 1248 of the NBAS protein (p.Cys1248Phe).

NM_015909.4(NBAS):c.3743G>T (p.Cys1248Phe)

Gene: NBAS (NBAS subunit of NRZ tethering complex; minus strand). Cytogenetic location: 2p24.3.
Variant type: single nucleotide variant.
Coding change: c.3743G>T on transcript NM_015909.4 (MANE Select); coding-DNA position 3743, G replaced by T.
Protein change: p.Cys1248Phe; replaces cysteine 1248 with phenylalanine.
Molecular consequence: missense variant. On other transcripts: non-coding transcript variant (1).
Genome position (GRCh38, 1-based): chr2:15,366,654, C>A on the plus strand (G>T on the coding strand, the complement: NBAS is on the minus strand). VCF-style: chr2-15366654-C-A. GRCh37 (hg19) VCF-style: chr2-15506778-C-A.
Other names: short protein forms C1248F.
Identifiers: ClinVar variation 1354332 (VCV001354332.6), dbSNP rs1674219529, ClinGen allele CA345894476.